The following is an entry in ClinVar:

NM_001387263.1(PATL2):c.649T>A (p.Tyr217Asn)

Gene: PATL2 (PAT1 homolog 2; minus strand). Cytogenetic location: 15q21.1.
Variant type: single nucleotide variant.
Coding change: c.649T>A on transcript NM_001387263.1 (MANE Select); coding-DNA position 649, T replaced by A.
Protein change: p.Tyr217Asn; replaces tyrosine 217 with asparagine.
Molecular consequence: missense variant. On other transcripts: intron variant (2).
Genome position (GRCh38, 1-based): chr15:44,672,023, A>T on the plus strand (T>A on the coding strand, the complement: PATL2 is on the minus strand). VCF-style: chr15-44672023-A-T. GRCh37 (hg19) VCF-style: chr15-44964221-A-T.
Other names: NM_001145112.1:c.649T>A(p.Tyr217Asn); c.649T>A, p.Tyr217Asn (NM_001145112.2, NM_001387261.1, NM_001387262.1); c.82T>A, p.Tyr28Asn (NM_001330283.2); c.564+168T>A (NM_001387260.1, NM_001387264.1); short protein forms Y217N, Y28N.
Identifiers: ClinVar variation 549488 (VCV000549488.4), dbSNP rs1361024832, ClinGen allele CA392225421.
Genomic context (GRCh38, chr15:44,672,023, plus strand): 5'-CAGGCCCATTTGACCCAAGGTCAGAGGCTGGGCTGAGTACTGCGGGGCTCACCTGGTAAT[A>T]GTAGTCATCCAGGCGGGGTTTTGCACTCTGCAGCTGCACCATCTGCACTTTTATCACCCA-3'
Protein context (NP_001374192.1, residues 207-227): QSAKPRLDDY[Tyr217Asn]YQEYYQKLEK

ClinVar aggregate classification (germline): Likely pathogenic. Review status: criteria provided, multiple submitters, no conflicts (2 of 4 stars). 3 submissions from 3 submitters: Likely pathogenic (2). 1 of the submissions does not count toward it. Last evaluated 2018-04-16.

Conditions:
Oocyte maturation defect 4. Also called: OOCYTE/ZYGOTE/EMBRYO MATURATION ARREST 4. Identifiers: MedGen C4540284, MONDO:0021575, OMIM 617743.

Allele frequency attached by ClinVar (database versions not stated): gnomAD exomes 0.00001.
gnomAD v4.1: 2 of 1,551,698 alleles (0.00013%); highest among the groups gnomAD compares: East Asian, 0.0024%; no homozygotes.

Submissions (3):

SIB Swiss Institute of Bioinformatics
Classification: Likely pathogenic for Oocyte maturation defect 4. Last evaluated: 2018-04-16. Review status: criteria provided, single submitter. Criteria: ACMG Guidelines, 2015. Collection method: curation. Allele origin: germline.
Comment: This variant is interpreted as a Likely Pathogenic, for Oocyte maturation defect 4, Autosomal Recessive inheritance. The following ACMG Tag(s) were applied: PM2 => Absent from controls (or at extremely low frequency if recessive) in Exome Sequencing Project, 1000 Genomes Project, or Exome Aggregation Consortium. PP3 => Multiple lines of computational evidence support a deleterious effect on the gene or gene product. PS3 => Well-established functional studies show a deleterious effect (PMID:28965849). PM3-Supporting => PM3 downgraded in strength to Supporting.

Juno Genomics, Hangzhou Juno Genomics, Inc
Classification: Likely pathogenic for Oocyte maturation defect 4. Review status: criteria provided, single submitter. Criteria: ACMG Guidelines, 2015. Collection method: clinical testing. Allele origin: germline. Affected: yes.
Comment: Absent from controls (or at extremely low frequency if recessive) in Genome Aggregation Database, Exome Sequencing Project, 1000 Genomes Project, or Exome Aggregation Consortium.;For recessive disorders, detected in trans with a pathogenic variant.;Patient's phenotype or family history is highly specific for a disease with a single genetic etiology.;Well-established in vitro or in vivo functional studies supportive of a damaging effect on the gene or gene product.

State Key Laboratory of Reproductive Medicine and Offspring Health, Nanjing Medical University
Classification: Pathogenic for Oocyte maturation defect 4. Last evaluated: 2026-03-16. Review status: no assertion criteria provided. Collection method: clinical testing. Allele origin: paternal. Affected: yes. Not counted in ClinVar's aggregate classification.

Literature cited by the submitters: PubMed 28965849 (cited by SIB Swiss Institute of Bioinformatics); PubMed 33614659 (cited by State Key Laboratory of Reproductive Medicine and Offspring Health, Nanjing Medical University).